The following is an entry in ClinVar:

ClinVar aggregate classification (germline): Benign (1 of 4 stars; one submission).

Allele frequency attached by ClinVar (database versions not stated): 1000 Genomes Project 0.31649; 1000 Genomes Project 30x 0.32199; gnomAD 0.37773 and 0.39117; TOPMed 0.38766.
gnomAD v4.1: 57,391 of 152,006 alleles (38%); highest among the groups gnomAD compares: African/African-American, 62%; 12,712 homozygotes.

Submission:

GeneDx
Classification: Benign. Last evaluated: 2018-06-14. Review status: criteria provided, single submitter. Criteria: GeneDx Variant Classification (06012015). Collection method: clinical testing. Allele origin: germline. Affected: yes.
Comment: This variant is considered likely benign or benign based on one or more of the following criteria: it is a conservative change, it occurs at a poorly conserved position in the protein, it is predicted to be benign by multiple in silico algorithms, and/or has population frequency not consistent with disease.

NM_000257.4(MYH7):c.1578+202A>G

Gene: MYH7 (myosin heavy chain 7; minus strand). Cytogenetic location: 14q11.2.
Variant type: single nucleotide variant.
Coding change: c.1578+202A>G on transcript NM_000257.4 (MANE Select); 202 bases into the intron after coding-DNA position 1578, A replaced by G.
Molecular consequence: intron variant.
Genome position (GRCh38, 1-based): chr14:23,428,298, T>C on the plus strand (A>G on the coding strand, the complement: MYH7 is on the minus strand). VCF-style: chr14-23428298-T-C. GRCh37 (hg19) VCF-style: chr14-23897507-T-C.
Identifiers: ClinVar variation 671923 (VCV000671923.1), dbSNP rs2754163, ClinGen allele CA14065234.